The following is an entry in ClinVar:

ClinVar aggregate classification (germline): Uncertain significance. Review status: criteria provided, multiple submitters, no conflicts (2 of 4 stars). 4 submissions from 4 submitters: Uncertain significance (4). Last evaluated 2025-04-07.

Conditions:
Dyskeratosis congenita. Identifiers: Orphanet 1775, MedGen C0265965, MONDO:0015780.
Dyskeratosis congenita, autosomal dominant 2. Identifiers: MedGen C3151443, MONDO:0013521, OMIM 613989.
Idiopathic Pulmonary Fibrosis. Also called: Idiopathic fibrosing alveolitis, chronic form; idiopathic fibrosing alveolitis. Identifiers: Orphanet 2032, MedGen C1800706, MeSH D054990, MONDO:0800504.

Allele frequency attached by ClinVar (database versions not stated): gnomAD 0.00001; TOPMed 0.00001.
gnomAD v4.1: 6 of 1,543,616 alleles (0.00039%); highest among the groups gnomAD compares: Non-Finnish European, 0.00035%; no homozygotes.

Submissions (4):

Ambry Genetics
Classification: Uncertain significance for Dyskeratosis congenita. Last evaluated: 2025-04-07. Review status: criteria provided, single submitter. Criteria: Ambry Variant Classification Scheme 2023. Collection method: clinical testing. Allele origin: germline.
Comment: The p.T319M variant (also known as c.956C>T), located in coding exon 2 of the TERT gene, results from a C to T substitution at nucleotide position 956. The threonine at codon 319 is replaced by methionine, an amino acid with similar properties. This amino acid position is conserved. In addition, this alteration is predicted to be tolerated by in silico analysis. Since supporting evidence is limited at this time, the clinical significance of this alteration remains unclear.

Labcorp Genetics (formerly Invitae), Labcorp
Classification: Uncertain significance for Dyskeratosis congenita, autosomal dominant 2; Idiopathic Pulmonary Fibrosis. Last evaluated: 2024-04-26. Review status: criteria provided, single submitter. Criteria: Invitae Variant Classification Sherloc (09022015). Collection method: clinical testing. Allele origin: germline.
Comment: This sequence change replaces threonine, which is neutral and polar, with methionine, which is neutral and non-polar, at codon 319 of the TERT protein (p.Thr319Met). This variant is present in population databases (no rsID available, gnomAD 0.001%). This variant has not been reported in the literature in individuals affected with TERT-related conditions. ClinVar contains an entry for this variant (Variation ID: 566445). Advanced modeling of protein sequence and biophysical properties (such as structural, functional, and spatial information, amino acid conservation, physicochemical variation, residue mobility, and thermodynamic stability) has been performed at Invitae for this missense variant, however the output from this modeling did not meet the statistical confidence thresholds required to predict the impact of this variant on TERT protein function. In summary, the available evidence is currently insufficient to determine the role of this variant in disease. Therefore, it has been classified as a Variant of Uncertain Significance.

ARUP Laboratories, Molecular Genetics and Genomics, ARUP Laboratories
Classification: Uncertain significance. Last evaluated: 2024-04-24. Review status: criteria provided, single submitter. Criteria: ARUP Molecular Germline Variant Investigation Process 2024. Collection method: clinical testing. Allele origin: germline.

GeneDx
Classification: Uncertain significance. Last evaluated: 2023-11-02. Review status: criteria provided, single submitter. Criteria: GeneDx Variant Classification Process June 2021. Collection method: clinical testing. Allele origin: germline. Affected: yes.
Comment: Not observed at significant frequency in large population cohorts (gnomAD); In silico analysis supports that this missense variant does not alter protein structure/function; Has not been previously published as pathogenic or benign to our knowledge

NM_198253.3(TERT):c.956C>T (p.Thr319Met)

Gene: TERT (telomerase reverse transcriptase; minus strand). Cytogenetic location: 5p15.33.
Variant type: single nucleotide variant.
Coding change: c.956C>T on transcript NM_198253.3 (MANE Select); coding-DNA position 956, C replaced by T.
Protein change: p.Thr319Met; replaces threonine 319 with methionine.
Molecular consequence: missense variant. On other transcripts: non-coding transcript variant (2).
Genome position (GRCh38, 1-based): chr5:1,293,930, G>A on the plus strand (C>T on the coding strand, the complement: TERT is on the minus strand). VCF-style: chr5-1293930-G-A. GRCh37 (hg19) VCF-style: chr5-1294045-G-A.
Other names: c.956C>T, p.Thr319Met (NM_001193376.3); short protein forms T319M.
Identifiers: ClinVar variation 566445 (VCV000566445.15), dbSNP rs1213662764, ClinGen allele CA359056077.